The following is an entry in ClinVar:

NM_015599.3(PGM3):c.1175AAC[1] (p.Gln393del)

Gene: PGM3 (phosphoglucomutase 3; minus strand). Cytogenetic location: 6q14.1.
Variant type: Microsatellite.
Coding change: c.1175AAC[1] on transcript NM_015599.3 (MANE Select); one copy of the 3-base unit AAC starting at c.1175; the reference has two copies in a row; one copy, 3 bases deleted.
Protein change: p.Gln393del; deletes glutamine 393.
Molecular consequence: inframe deletion. On other transcripts: non-coding transcript variant (1).
Genome position (GRCh38, 1-based): chr6:83,174,436-83,174,438, GTT deleted on the plus strand (AAC on the coding strand, the reverse complement: PGM3 is on the minus strand); deleting any 3 consecutive bases within chr6:83,174,436-83,174,441 gives the same sequence; the position shown is the placement nearest the transcript's 3' end. VCF-style (leftmost placement, unchanged base first): chr6-83174435-AGTT-A. GRCh37 (hg19) VCF-style: chr6-83884154-AGTT-A.
Other names: c.1259AAC[1], p.Gln421del (NM_001199917.2, NM_001367287.1); c.932AAC[1], p.Gln312del (NM_001199918.2); c.1175AAC[1], p.Gln393del (NM_001199919.2, NM_001367286.1); short protein forms Q393del, Q312del, Q421del.
Identifiers: ClinVar variation 1441074 (VCV001441074.7), dbSNP rs1296012320, ClinGen allele CA828841370.
Genomic context (GRCh38, chr6:83,174,435, plus strand): 5'-TGGTTAAACAAGTCAATAATGTTTTCAAGCATCTTAGCAGCTTTTCTTTTCTTATCTTCC[AGTT>A]GTTCTGCTGATTGTTTTATCTTCATTTCAACAGCTGTACTAAACAGTGCCTGCAGCAAAA-3'

ClinVar aggregate classification (germline): Uncertain significance (1 of 4 stars; one submission).

Conditions:
Immunodeficiency 23 (IMD23). Also called: IMMUNODEFICIENCY WITH HYPER IgE AND COGNITIVE IMPAIRMENT; IMMUNODEFICIENCY-VASCULITIS-MYOCLONUS SYNDROME. Identifiers: Orphanet 443811, MedGen C4014371, MONDO:0014353, OMIM 615816.

Submission:

Labcorp Genetics (formerly Invitae), Labcorp
Classification: Uncertain significance for Immunodeficiency 23. Last evaluated: 2022-12-06. Review status: criteria provided, single submitter. Criteria: Invitae Variant Classification Sherloc (09022015). Collection method: clinical testing. Allele origin: germline.
Comment: This variant, c.1262_1264del, results in the deletion of 1 amino acid(s) of the PGM3 protein (p.Gln421del), but otherwise preserves the integrity of the reading frame. This variant is not present in population databases (gnomAD no frequency). In summary, the available evidence is currently insufficient to determine the role of this variant in disease. Therefore, it has been classified as a Variant of Uncertain Significance. Experimental studies and prediction algorithms are not available or were not evaluated, and the functional significance of this variant is currently unknown. This variant has not been reported in the literature in individuals affected with PGM3-related conditions.